The following is an entry in ClinVar:

NM_001177693.2(ARHGEF28):c.557C>T (p.Pro186Leu)

Gene: ARHGEF28 (Rho guanine nucleotide exchange factor 28; plus strand). Cytogenetic location: 5q13.2.
Variant type: single nucleotide variant.
Coding change: c.557C>T on transcript NM_001177693.2 (MANE Select); coding-DNA position 557, C replaced by T.
Protein change: p.Pro186Leu; replaces proline 186 with leucine.
Molecular consequence: missense variant.
Genome position (GRCh38, 1-based): chr5:73,773,936, C>T. VCF-style: chr5-73773936-C-T. GRCh37 (hg19) VCF-style: chr5-73069761-C-T.
Other names: c.557C>T, p.Pro186Leu (NM_001080479.3, NM_001388078.1); c.263C>T, p.Pro88Leu (NM_001388076.1); short protein forms P186L, P88L.
Identifiers: ClinVar variation 3058812 (VCV003058812.2), dbSNP rs373137865, ClinGen allele CA3304215.

ClinVar aggregate classification (germline): Likely benign (0 of 4 stars; one submission).

Conditions:
ARHGEF28-related disorder. Also called: ARHGEF28-related condition.

Allele frequency attached by ClinVar (database versions not stated): ESP Exome Variant Server 0.00008; gnomAD 0.00008; TOPMed 0.00008; gnomAD exomes 0.00016; 1000 Genomes Project 30x 0.00031; 1000 Genomes Project 0.00040; ExAC 0.00058.
gnomAD v4.1: 245 of 1,607,472 alleles (0.015%); highest among the groups gnomAD compares: South Asian, 0.18%; 1 homozygote.

Submission:

PreventionGenetics, part of Exact Sciences
Classification: Likely benign for ARHGEF28-related condition. Last evaluated: 2023-12-21. Review status: no assertion criteria provided. Collection method: clinical testing. Allele origin: germline.
Comment: This variant is classified as likely benign based on ACMG/AMP sequence variant interpretation guidelines (Richards et al. 2015 PMID: 25741868, with internal and published modifications).